The following is an entry in ClinVar:

ClinVar aggregate classification (germline): Pathogenic (1 of 4 stars; one submission).

Submission:

GeneDx
Classification: Pathogenic. Last evaluated: 2018-01-16. Review status: criteria provided, single submitter. Criteria: GeneDx Variant Classification (06012015). Collection method: clinical testing. Allele origin: germline. Affected: yes.
Comment: The c.135delC variant in the MAFB gene has not been reported previously as a pathogenic variant nor as a benign variant, to our knowledge. The c.135delC variant causes a frameshift starting with codon Cysteine 46, changes this amino acid to an Alanine residue, and creates a premature Stop codon at position 50 of the new reading frame, denoted p.Cys46AlafsX50. This variant is predicted to cause loss of normal protein function through protein truncation. The c.135delC variant is not observed in large population cohorts (Lek et al., 2016). We interpret c.135delC as a pathogenic variant.

NM_005461.5(MAFB):c.135del (p.Cys46fs)

Gene: MAFB (MAF bZIP transcription factor B; minus strand). Cytogenetic location: 20q12.
Variant type: Deletion.
Coding change: c.135del on transcript NM_005461.5 (MANE Select); coding-DNA position 135, one base deleted (C; older notation c.135delC).
Protein change: p.Cys46fs; shifts the reading frame from cysteine 46.
Molecular consequence: frameshift variant.
Genome position (GRCh38, 1-based): chr20:40,688,716, G deleted on the plus strand (C on the coding strand, the reverse complement: MAFB is on the minus strand); the first of 3 consecutive G bases (chr20:40,688,716-40,688,718); deleting any one gives the same sequence. VCF-style (leftmost placement, unchanged base first): chr20-40688715-AG-A. GRCh37 (hg19) VCF-style: chr20-39317355-AG-A.
Other names: short protein forms C46fs.
Identifiers: ClinVar variation 504138 (VCV000504138.2), dbSNP rs1555826446, ClinGen allele CA658799361.